The following is an entry in ClinVar:

NM_005048.4(PTH2R):c.1531G>A (p.Glu511Lys)

Gene: PTH2R (parathyroid hormone 2 receptor; plus strand). Cytogenetic location: 2q34.
Variant type: single nucleotide variant.
Coding change: c.1531G>A on transcript NM_005048.4 (MANE Select); coding-DNA position 1531, G replaced by A.
Protein change: p.Glu511Lys; replaces glutamic acid 511 with lysine.
Molecular consequence: missense variant. On other transcripts: non-coding transcript variant (4).
Genome position (GRCh38, 1-based): chr2:208,493,537, G>A. VCF-style: chr2-208493537-G-A. GRCh37 (hg19) VCF-style: chr2-209358262-G-A.
Other names: NC_000002.11:g.209358262G>A; c.1198G>A, p.Glu400Lys (NM_001309516.2, NM_001371905.1, NM_001371906.1); c.922G>A, p.Glu308Lys (NM_001371907.1); c.1531G>A (NM_005048.3); short protein forms E308K, E400K, E511K.
Identifiers: ClinVar variation 2287993 (VCV002287993.5), dbSNP rs140566891, ClinGen allele CA2081427.

ClinVar aggregate classification (germline): Uncertain significance. Review status: criteria provided, single submitter (1 of 4 stars). 2 submissions from 2 submitters: Uncertain significance (1). 1 of the submissions does not count toward it. Last evaluated 2022-09-14.

Conditions:
PTH2R-related disorder. Also called: PTH2R-related condition.

Allele frequency attached by ClinVar (database versions not stated): TOPMed 0.00057; gnomAD 0.00064; gnomAD exomes 0.00087; ESP Exome Variant Server 0.00092; ExAC 0.00112; 1000 Genomes Project 30x 0.00031; 1000 Genomes Project 0.00040.
gnomAD v4.1: 1,367 of 1,614,004 alleles (0.085%); highest among the groups gnomAD compares: Middle Eastern, 0.4%; 3 homozygotes.

Submissions (4):

Ambry Genetics
Classification: Uncertain significance. Last evaluated: 2022-09-14. Review status: criteria provided, single submitter. Criteria: Ambry Variant Classification Scheme 2023. Collection method: clinical testing. Allele origin: germline.

PreventionGenetics, part of Exact Sciences
Classification: Likely benign for PTH2R-related condition. Last evaluated: 2023-02-16. Review status: no assertion criteria provided. Collection method: clinical testing. Allele origin: germline. Not counted in ClinVar's aggregate classification.
Comment: This variant is classified as likely benign based on ACMG/AMP sequence variant interpretation guidelines (Richards et al. 2015 PMID: 25741868, with internal and published modifications).

Dr. Peter K. Rogan Lab, Western University
No classification provided (evidence only). Condition: Thyroid cancer, nonmedullary, 1. Review status: no classification provided. Collection method: in vitro. Allele origin: not applicable. Functional consequence: retained intron. Not counted in ClinVar's aggregate classification.

Dr. Peter K. Rogan Lab, Western University
No classification provided (evidence only). Condition: Thyroid cancer, nonmedullary, 1. Review status: no classification provided. Collection method: in vitro. Allele origin: not applicable. Functional consequence: retained intron. Not counted in ClinVar's aggregate classification.